The following is an entry in ClinVar:

NM_004064.5(CDKN1B):c.475+5T>C

Gene: CDKN1B (cyclin dependent kinase inhibitor 1B; plus strand). Cytogenetic location: 12p13.1.
Variant type: single nucleotide variant.
Coding change: c.475+5T>C on transcript NM_004064.5 (MANE Select); 5 bases into the intron after coding-DNA position 475, T replaced by C.
Molecular consequence: intron variant.
Genome position (GRCh38, 1-based): chr12:12,718,319, T>C. VCF-style: chr12-12718319-T-C. GRCh37 (hg19) VCF-style: chr12-12871253-T-C.
Identifiers: ClinVar variation 469027 (VCV000469027.15), dbSNP rs781394293, ClinGen allele CA6457511.

ClinVar aggregate classification (germline): Benign/Likely benign. Review status: criteria provided, multiple submitters, no conflicts (2 of 4 stars). 4 submissions from 4 submitters: Benign (1); Likely benign (3). Last evaluated 2026-05-13.

Conditions:
CDKN1B-related disorder. Also called: CDKN1B-related condition.
Hereditary cancer-predisposing syndrome. Also called: Tumor predisposition; Hereditary neoplastic syndrome; Neoplastic Syndromes, Hereditary; Hereditary Cancer Syndrome. Identifiers: Orphanet 140162, MedGen C0027672, MeSH D009386, MONDO:0015356.
Multiple endocrine neoplasia type 4. Also called: MULTIPLE ENDOCRINE NEOPLASIA, TYPE IV. Identifiers: Orphanet 276152, MedGen C1970712, MONDO:0012552, OMIM 610755.

Allele frequency attached by ClinVar (database versions not stated): gnomAD 0.00001; TOPMed 0.00001; ExAC 0.00003; gnomAD exomes 0.00004.
gnomAD v4.1: 12 of 1,599,816 alleles (0.00075%); highest among the groups gnomAD compares: Admixed American, 0.018%; no homozygotes.

Submissions (4):

PreventionGenetics, part of Exact Sciences
Classification: Likely benign for CDKN1B-related condition. Last evaluated: 2026-05-13. Review status: criteria provided, single submitter. Criteria: ACMG Guidelines, 2015. Collection method: clinical testing. Allele origin: germline.
Comment: This variant is classified as likely benign based on ACMG/AMP sequence variant interpretation guidelines (Richards et al. 2015 PMID: 25741868, with internal and published modifications).

Labcorp Genetics (formerly Invitae), Labcorp
Classification: Likely benign for Multiple endocrine neoplasia type 4. Last evaluated: 2025-11-12. Review status: criteria provided, single submitter. Criteria: Invitae Variant Classification Sherloc (09022015). Collection method: clinical testing. Allele origin: germline.

Ambry Genetics
Classification: Benign for Hereditary cancer-predisposing syndrome. Last evaluated: 2023-06-26. Review status: criteria provided, single submitter. Criteria: Ambry Variant Classification Scheme 2023. Collection method: clinical testing. Allele origin: germline.

Sema4
Classification: Likely benign for Hereditary cancer-predisposing syndrome. Last evaluated: 2020-12-06. Review status: criteria provided, single submitter. Criteria: Sema4 Curation Guidelines. Collection method: curation. Allele origin: germline.